The following is an entry in ClinVar:

NM_001374736.1(DST):c.13511A>G (p.Asp4504Gly)

Gene: DST (dystonin; minus strand). Cytogenetic location: 6p12.1.
Variant type: single nucleotide variant.
Coding change: c.13511A>G on transcript NM_001374736.1 (MANE Select); coding-DNA position 13511, A replaced by G.
Protein change: p.Asp4504Gly; replaces aspartic acid 4504 with glycine.
Molecular consequence: missense variant.
Genome position (GRCh38, 1-based): chr6:56,572,790, T>C on the plus strand (A>G on the coding strand, the complement: DST is on the minus strand). VCF-style: chr6-56572790-T-C. GRCh37 (hg19) VCF-style: chr6-56437588-T-C.
Other names: c.7154A>G, p.Asp2385Gly (NM_001144769.5); c.6740A>G, p.Asp2247Gly (NM_001144770.2); c.13511A>G, p.Asp4504Gly (NM_001374722.1); c.12878A>G, p.Asp4293Gly (NM_001374729.1); c.6620A>G, p.Asp2207Gly (NM_001374730.1, NM_001386100.1, NM_183380.4); c.13538A>G, p.Asp4513Gly (NM_001374734.1); c.5642A>G, p.Asp1881Gly (NM_015548.5); short protein forms D2207G, D4504G, D4293G, D4513G, D1881G, D2247G, D2385G.
Identifiers: ClinVar variation 1757407 (VCV001757407.2), dbSNP rs368861406, ClinGen allele CA3868211.

ClinVar aggregate classification (germline): Uncertain significance (1 of 4 stars; one submission).

Conditions:
Inborn genetic diseases. Identifiers: MedGen C0950123, MeSH D030342.

Allele frequency attached by ClinVar (database versions not stated): gnomAD 0.00001; ExAC 0.00002; TOPMed 0.00002; gnomAD exomes 0.00003; ESP Exome Variant Server 0.00008.
gnomAD v4.1: 42 of 1,607,816 alleles (0.0026%); highest among the groups gnomAD compares: Non-Finnish European, 0.0036%; no homozygotes.

Submission:

Ambry Genetics
Classification: Uncertain significance for Inborn genetic diseases. Last evaluated: 2021-12-20. Review status: criteria provided, single submitter. Criteria: Ambry Variant Classification Scheme 2023. Collection method: clinical testing. Allele origin: germline.
Comment: The p.D2385G variant (also known as c.7154A>G), located in coding exon 46 of the DST gene, results from an A to G substitution at nucleotide position 7154. The aspartic acid at codon 2385 is replaced by glycine, an amino acid with similar properties. This amino acid position is well conserved in available vertebrate species. In addition, the in silico prediction for this alteration is inconclusive. Since supporting evidence is limited at this time, the clinical significance of this alteration remains unclear.